The following is an entry in ClinVar:

ClinVar aggregate classification (germline): Pathogenic. Review status: criteria provided, multiple submitters, no conflicts (2 of 4 stars). 2 submissions from 2 submitters: Pathogenic (2). Last evaluated 2024-06-24.

Conditions:
Ataxia-telangiectasia syndrome (AT). Also called: Ataxia telangiectasia (A-T); LOUIS-BAR SYNDROME; Cerebello-oculocutaneous telangiectasia; Immunodeficiency with ataxia telangiectasia; Ataxia-telangiectasia, complementation group D; AT, COMPLEMENTATION GROUP C. Identifiers: Orphanet 100, MedGen C0004135, MONDO:0008840, OMIM 208900.
Hereditary cancer-predisposing syndrome. Also called: Hereditary neoplastic syndrome; Neoplastic Syndromes, Hereditary; Tumor predisposition; Hereditary Cancer Syndrome. Identifiers: Orphanet 140162, MedGen C0027672, MeSH D009386, MONDO:0015356.

Submissions (2):

Labcorp Genetics (formerly Invitae), Labcorp
Classification: Pathogenic for Ataxia-telangiectasia syndrome. Last evaluated: 2024-06-24. Review status: criteria provided, single submitter. Criteria: Invitae Variant Classification Sherloc (09022015). Collection method: clinical testing. Allele origin: germline.
Comment: This sequence change creates a premature translational stop signal (p.Tyr2969Phefs*8) in the ATM gene. It is expected to result in an absent or disrupted protein product. Loss-of-function variants in ATM are known to be pathogenic (PMID: 23807571, 25614872). This variant is not present in population databases (gnomAD no frequency). This variant has not been reported in the literature in individuals affected with ATM-related conditions. ClinVar contains an entry for this variant (Variation ID: 1765063). For these reasons, this variant has been classified as Pathogenic.

Ambry Genetics
Classification: Pathogenic for Hereditary cancer-predisposing syndrome. Last evaluated: 2020-07-01. Review status: criteria provided, single submitter. Criteria: Ambry Variant Classification Scheme 2023. Collection method: clinical testing. Allele origin: germline.
Comment: The c.8904_8905delGT pathogenic mutation, located in coding exon 61 of the ATM gene, results from a deletion of two nucleotides at nucleotide positions 8904 to 8905, causing a translational frameshift with a predicted alternate stop codon (p.Y2969Ffs*8). This alteration is expected to result in loss of function by premature protein truncation or nonsense-mediated mRNA decay. As such, this alteration is interpreted as a disease-causing mutation.

Literature cited by the submitters: PubMed 23807571 (cited by Labcorp Genetics (formerly Invitae), Labcorp); PubMed 25614872 (cited by Labcorp Genetics (formerly Invitae), Labcorp).

NM_000051.4(ATM):c.8904_8905del (p.Tyr2969fs)

Genes: ATM (ATM serine/threonine kinase; plus strand), C11orf65 (chromosome 11 open reading frame 65; minus strand). Cytogenetic location: 11q22.3.
Variant type: Deletion.
Coding change: c.8904_8905del on transcript NM_000051.4 (MANE Select); coding-DNA positions 8904 to 8905, 2 bases deleted (GT; older notation c.8904_8905delGT).
Protein change: p.Tyr2969fs; shifts the reading frame from tyrosine 2969.
Molecular consequence: frameshift variant. On other transcripts: intron variant (2).
Genome position (GRCh38, 1-based): chr11:108,365,135-108,365,136, GT deleted; deleting any 2 consecutive bases within chr11:108,365,134-108,365,136 gives the same sequence; the c. name uses the placement nearest the transcript's 3' end. VCF-style (leftmost placement, unchanged base first): chr11-108365133-TTG-T. GRCh37 (hg19) VCF-style: chr11-108235860-TTG-T.
Other names: c.8904_8905del, p.Tyr2969fs (NM_001351834.2); c.640+20785_640+20786del (NM_001330368.2); c.694+20785_694+20786del (NM_001351110.2); short protein forms Y2969fs.
Identifiers: ClinVar variation 1765063 (VCV001765063.5), dbSNP rs2547675613, ClinGen allele CA2580083063.
Genomic context (GRCh38, chr11:108,365,133, plus strand): 5'-TCTGTTTAGGTCCTTCTATATGATCCACTCTTTGACTGGACCATGAATCCTTTGAAAGCT[TTG>T]TATTTACAGCAGAGGCCGGAAGATGAAACTGAGCTTCACCCTACTCTGAATGCAGATGAC-3'